The following is an entry in ClinVar:

ClinVar aggregate classification (germline): Uncertain significance. Review status: criteria provided, multiple submitters, no conflicts (2 of 4 stars). 2 submissions from 2 submitters: Uncertain significance (2). Last evaluated 2023-07-11.

Conditions:
Inborn genetic diseases. Identifiers: MedGen C0950123, MeSH D030342.

Allele frequency attached by ClinVar (database versions not stated): ExAC 0.00001; TOPMed 0.00001.
gnomAD v4.1: 48 of 1,612,828 alleles (0.003%); highest among the groups gnomAD compares: Middle Eastern, 0.017%; no homozygotes.

Submissions (2):

Ambry Genetics
Classification: Uncertain significance for Inborn genetic diseases. Last evaluated: 2023-07-11. Review status: criteria provided, single submitter. Criteria: Ambry Variant Classification Scheme 2023. Collection method: clinical testing. Allele origin: germline.

Labcorp Genetics (formerly Invitae), Labcorp
Classification: Uncertain significance. Last evaluated: 2022-05-24. Review status: criteria provided, single submitter. Criteria: Invitae Variant Classification Sherloc (09022015). Collection method: clinical testing. Allele origin: germline.
Comment: This sequence change replaces phenylalanine, which is neutral and non-polar, with isoleucine, which is neutral and non-polar, at codon 194 of the EIF2B4 protein (p.Phe194Ile). This variant is present in population databases (rs752818834, gnomAD 0.003%). This variant has not been reported in the literature in individuals affected with EIF2B4-related conditions. Algorithms developed to predict the effect of missense changes on protein structure and function (SIFT, PolyPhen-2, Align-GVGD) all suggest that this variant is likely to be tolerated. In summary, the available evidence is currently insufficient to determine the role of this variant in disease. Therefore, it has been classified as a Variant of Uncertain Significance.

NM_001034116.2(EIF2B4):c.583T>A (p.Phe195Ile)

Gene: EIF2B4 (eukaryotic translation initiation factor 2B subunit delta; minus strand). Cytogenetic location: 2p23.3.
Variant type: single nucleotide variant.
Coding change: c.583T>A on transcript NM_001034116.2 (MANE Select); coding-DNA position 583, T replaced by A.
Protein change: p.Phe195Ile; replaces phenylalanine 195 with isoleucine.
Molecular consequence: missense variant. On other transcripts: 5 prime UTR variant (2).
Genome position (GRCh38, 1-based): chr2:27,368,379, A>T on the plus strand (T>A on the coding strand, the complement: EIF2B4 is on the minus strand). VCF-style: chr2-27368379-A-T. GRCh37 (hg19) VCF-style: chr2-27591246-A-T.
Other names: c.646T>A, p.Phe216Ile (NM_001318965.2); c.538T>A, p.Phe180Ile (NM_001318966.2); c.490T>A, p.Phe164Ile (NM_001318967.2); c.-3T>A (NM_001318968.2); c.-10T>A (NM_001318969.2); c.580T>A, p.Phe194Ile (NM_015636.4); c.643T>A, p.Phe215Ile (NM_172195.4); c.580T>A (NM_015636.3); short protein forms F164I, F180I, F215I, F194I, F195I, F216I.
Identifiers: ClinVar variation 1925497 (VCV001925497.4), dbSNP rs752818834, ClinGen allele CA1576854.